The following is an entry in ClinVar:

NM_005577.4(LPA):c.4289+1G>A

Gene: LPA (lipoprotein(a); minus strand). Cytogenetic location: 6q25.3.
Variant type: single nucleotide variant.
Coding change: c.4289+1G>A on transcript NM_005577.4 (MANE Select); the canonical splice donor site of the intron after coding-DNA position 4289, G replaced by A.
Molecular consequence: splice donor variant.
Genome position (GRCh38, 1-based): chr6:160,585,045, C>T on the plus strand (G>A on the coding strand, the complement: LPA is on the minus strand). VCF-style: chr6-160585045-C-T. GRCh37 (hg19) VCF-style: chr6-161006077-C-T.
Other names: IVS K4 TYPE 8 DS, G-A, +1.
Identifiers: ClinVar variation 403043 (VCV000403043.9), dbSNP rs41272114, ClinGen allele CA4086125.
Genomic context (GRCh38, chr6:160,585,045, plus strand): 5'-GCCAGCTAAGAGAAATTTTAGTTGACTATTGTTCCTTTTATGGCTAACATGATAGACATA[C>T]GCATTTGGATAGTATAATGGGATCCTCCGATGCCAATGTGGTGTCATAGACGACCAAGAC-3'

ClinVar aggregate classification (germline): Benign/Likely benign. Review status: criteria provided, multiple submitters, no conflicts (2 of 4 stars). 4 submissions from 4 submitters: Benign (1); Likely benign (2). 1 of the submissions does not count toward it. Last evaluated 2025-08-18.

Conditions:
Lipoprotein(a) deficiency, congenital. Identifiers: MedGen C1835362.
LPA-related disorder. Also called: LPA-related condition.

Allele frequency attached by ClinVar (database versions not stated): 1000 Genomes Project 30x 0.02452; ESP Exome Variant Server 0.02552; TOPMed 0.02841; 1000 Genomes Project 0.02336.
gnomAD v4.1: 58,172 of 1,613,234 alleles (3.6%); highest among the groups gnomAD compares: Admixed American, 8.8%; 1,290 homozygotes.

Submissions (4):

Genomic Medicine Center of Excellence, King Faisal Specialist Hospital and Research Centre
Classification: Likely benign. Last evaluated: 2025-08-18. Review status: criteria provided, single submitter. Criteria: ACMG Guidelines, 2015. Collection method: clinical testing. Allele origin: germline.

Department of Pathology and Laboratory Medicine, Sinai Health System
Classification: Likely benign for LPA-related condition. Last evaluated: 2023-03-10. Review status: criteria provided, single submitter. Criteria: ACMG Guidelines, 2015. Collection method: research. Allele origin: germline.

Laboratory for Molecular Medicine, Mass General Brigham Personalized Medicine
Classification: Benign. Last evaluated: 2016-03-29. Review status: criteria provided, single submitter. Criteria: LMM Criteria. Collection method: clinical testing. Allele origin: germline.
Comment: Variant identified in a genome or exome case(s) and assessed due to predicted null impact of the variant or pathogenic assertions in the literature or databases. Disclaimer: This variant has not undergone full assessment. The following are preliminary notes: Frequency

OMIM
Classification: Pathogenic for LIPOPROTEIN(a) DEFICIENCY, CONGENITAL. Last evaluated: 2020-08-07. Review status: no assertion criteria provided. Collection method: literature only. Allele origin: germline. Not counted in ClinVar's aggregate classification.

Literature cited by the submitters: PubMed 11285247 (cited by OMIM); PubMed 31865966 (cited by OMIM).